The following is an entry in ClinVar:

ClinVar aggregate classification (germline): Uncertain significance (1 of 4 stars; one submission).

Allele frequency attached by ClinVar (database versions not stated): gnomAD exomes below 0.00001.
gnomAD v4.1: 2 of 1,613,278 alleles (0.00012%); highest among the groups gnomAD compares: Non-Finnish European, 0.00017%; no homozygotes.

Submission:

Ambry Genetics
Classification: Uncertain significance. Last evaluated: 2024-08-01. Review status: criteria provided, single submitter. Criteria: Ambry Variant Classification Scheme 2023. Collection method: clinical testing. Allele origin: germline.
Comment: The p.I1227V variant (also known as c.3679A>G), located in coding exon 16 of the POLQ gene, results from an A to G substitution at nucleotide position 3679. The isoleucine at codon 1227 is replaced by valine, an amino acid with highly similar properties. This amino acid position is conserved. In addition, this alteration is predicted to be tolerated by in silico analysis. Since supporting evidence is limited at this time, the clinical significance of this alteration remains unclear.

NM_199420.4(POLQ):c.3679A>G (p.Ile1227Val)

Gene: POLQ (DNA polymerase theta; minus strand). Cytogenetic location: 3q13.33.
Variant type: single nucleotide variant.
Coding change: c.3679A>G on transcript NM_199420.4 (MANE Select); coding-DNA position 3679, A replaced by G.
Protein change: p.Ile1227Val; replaces isoleucine 1227 with valine.
Molecular consequence: missense variant.
Genome position (GRCh38, 1-based): chr3:121,489,252, T>C on the plus strand (A>G on the coding strand, the complement: POLQ is on the minus strand). VCF-style: chr3-121489252-T-C. GRCh37 (hg19) VCF-style: chr3-121208099-T-C.
Other names: short protein forms I1227V.
Identifiers: ClinVar variation 1733851 (VCV001733851.3), dbSNP rs2546787092, ClinGen allele CA354098090.
Genomic context (GRCh38, chr3:121,489,252, plus strand): 5'-TTTCCTCTGTATTAAGCTTTATCCTTTCACAATTGATAGTAACATTTGAGTCTCTATTTA[T>C]GTAACTACTGACTGCTTCACAGGGCATTTGTCTCTCTATTATATTTTTCTGTTTGGTAAT-3'
Protein context (NP_955452.3, residues 1217-1237): QMPCEAVSSY[Ile1227Val]NRDSNVTINC